The following is an entry in ClinVar:

NM_022552.5(DNMT3A):c.1092dup (p.Tyr365fs)

Gene: DNMT3A (DNA methyltransferase 3 alpha; minus strand). Cytogenetic location: 2p23.3.
Variant type: Duplication.
Coding change: c.1092dup on transcript NM_022552.5 (MANE Select); coding-DNA position 1092, one base duplicated (G; older notation c.1092dupG).
Protein change: p.Tyr365fs; shifts the reading frame from tyrosine 365.
Molecular consequence: frameshift variant. On other transcripts: non-coding transcript variant (1).
Genome position (GRCh38, 1-based): chr2:25,247,081, C duplicated on the plus strand (G on the coding strand, the reverse complement: DNMT3A is on the minus strand). VCF-style (leftmost placement, unchanged base first): chr2-25247080-A-AC. GRCh37 (hg19) VCF-style: chr2-25469949-A-AC.
Other names: c.1092dupG (NM_022552.5); c.636dup, p.Tyr213fs (NM_001320893.1); c.423dup, p.Tyr142fs (NM_001375819.1); c.525dup, p.Tyr176fs (NM_153759.3); c.1092dup, p.Tyr365fs (NM_175629.2); short protein forms Y142fs, Y176fs, Y213fs, Y365fs.
Identifiers: ClinVar variation 4856413 (VCV004856413.1).

ClinVar aggregate classification (germline): Pathogenic (1 of 4 stars; one submission).

Conditions:
Heyn-Sproul-Jackson syndrome. Also called: MICROCEPHALY, SHORT STATURE, AND IMPAIRED INTELLECTUAL DEVELOPMENT. Identifiers: Orphanet 658595, MedGen C5231475, MONDO:0032882, OMIM 618724.

Submission:

Gansu Provincial Maternity and Child Care Hospital
Classification: Pathogenic for Heyn-Sproul-Jackson syndrome. Last evaluated: 2026-06-02. Review status: criteria provided, single submitter. Criteria: ACMG Guidelines, 2015. Collection method: clinical testing. Allele origin: de novo. Inheritance: Autosomal dominant inheritance. Affected: yes.
Comment: The c.1092dupG variant is a frameshift variant that leads to premature termination of translation (PVS1). Parental verification confirmed it as a de novo variant (PS2). This site is not recorded in the gnomAD database (PM2_supporting).This variant is classified as pathogenic.